The following is an entry in ClinVar:

ClinVar aggregate classification (germline): Pathogenic (1 of 4 stars; one submission).

Conditions:
Developmental and epileptic encephalopathy 91. Also called: EPILEPTIC ENCEPHALOPATHY, INFANTILE OR EARLY CHILDHOOD, 1. Identifiers: MedGen C4540199, MONDO:0020630, OMIM 617711.

Submission:

Pediatric Department, Peking University First Hospital
Classification: Pathogenic for Developmental and epileptic encephalopathy 91. Last evaluated: 2025-05-24. Review status: criteria provided, single submitter. Criteria: ACMG Guidelines, 2015. Collection method: research. Allele origin: de novo. Affected: yes.
Comment: Pathogenic(PVS1, PS2, PM2)

NM_000944.5(PPP3CA):c.1333_1336dup (p.Ser446fs)

Gene: PPP3CA (protein phosphatase 3 catalytic subunit alpha; minus strand). Cytogenetic location: 4q24.
Variant type: Duplication.
Coding change: c.1333_1336dup on transcript NM_000944.5 (MANE Select); coding-DNA positions 1333 to 1336, 4 bases duplicated (CAAA; older notation c.1333_1336dupCAAA).
Protein change: p.Ser446fs; shifts the reading frame from serine 446.
Molecular consequence: frameshift variant.
Genome position (GRCh38, 1-based): chr4:101,032,270-101,032,273, TTTG duplicated on the plus strand (CAAA on the coding strand, the reverse complement: PPP3CA is on the minus strand). VCF-style (leftmost placement, unchanged base first): chr4-101032269-C-CTTTG. GRCh37 (hg19) VCF-style: chr4-101953426-C-CTTTG.
Other names: c.1333_1336dup, p.Ser446fs (NM_001130691.2); c.1207_1210dup, p.Ser404fs (NM_001130692.2); c.1336_1337insCAAA (NM_000944.5); short protein forms S404fs, S446fs.
Identifiers: ClinVar variation 3900642 (VCV003900642.1).
Genomic context (GRCh38, chr4:101,032,269, plus strand): 5'-TAATGACACAGCTGACTGCGATGCCCCAGCACACAGTCATACCCATCAGCCTGCTTACCG[C>CTTTG]TTTGCAGGGTTTGCTTCCCTCCAGAAAGTACTCCGCTGGGGAGCATGCCAGTTGGGGTCA-3'